The following is an entry in ClinVar:

NM_001371279.1(REEP1):c.304-1G>C

Gene: REEP1 (receptor accessory protein 1; minus strand). Cytogenetic location: 2p11.2.
Variant type: single nucleotide variant.
Coding change: c.304-1G>C on transcript NM_001371279.1 (MANE Select); the canonical splice acceptor site of the intron before coding-DNA position 304, G replaced by C.
Molecular consequence: splice acceptor variant. On other transcripts: intron variant (1).
Genome position (GRCh38, 1-based): chr2:86,252,071, C>G on the plus strand (G>C on the coding strand, the complement: REEP1 is on the minus strand). VCF-style: chr2-86252071-C-G. GRCh37 (hg19) VCF-style: chr2-86479194-C-G.
Other names: c.325-1G>C (NM_001164730.2); c.223-1G>C (NM_001164731.2); c.182+11894G>C (NM_001164732.2); c.304-1G>C (NM_001371280.1, NM_022912.3, NM_001410855.1 and 1 more transcripts).
Identifiers: ClinVar variation 2036306 (VCV002036306.4), dbSNP rs2104225081, ClinGen allele CA347716604.

ClinVar aggregate classification (germline): Pathogenic (1 of 4 stars; one submission).

Conditions:
Hereditary spastic paraplegia 31. Also called: SPASTIC PARAPLEGIA 31, AUTOSOMAL DOMINANT. Identifiers: Orphanet 101011, MedGen C1853247, MONDO:0012453, OMIM 610250.

Submission:

Labcorp Genetics (formerly Invitae), Labcorp
Classification: Pathogenic for Hereditary spastic paraplegia 31. Last evaluated: 2022-10-20. Review status: criteria provided, single submitter. Criteria: Invitae Variant Classification Sherloc (09022015). Collection method: clinical testing. Allele origin: germline.
Comment: For these reasons, this variant has been classified as Pathogenic. Studies have shown that disruption of this splice site results in skipping of exon 5, but is expected to preserve the integrity of the reading-frame (PMID: 22703882). Disruption of this splice site has been observed in individuals with clinical features of REEP1-related conditions (PMID: 22703882; Invitae). It has also been observed to segregate with disease in related individuals. This variant is not present in population databases (gnomAD no frequency). This sequence change affects an acceptor splice site in intron 4 of the REEP1 gene. RNA analysis indicates that disruption of this splice site induces altered splicing and likely results in a shortened protein product.

Literature cited by the submitters: PubMed 22703882.